The following is an entry in ClinVar:

ClinVar aggregate classification (germline): Pathogenic. Review status: criteria provided, multiple submitters, no conflicts (2 of 4 stars). 4 submissions from 4 submitters: Pathogenic (4). Last evaluated 2024-07-05.

Conditions:
Hereditary cancer-predisposing syndrome. Also called: Neoplastic Syndromes, Hereditary; Hereditary Cancer Syndrome; Hereditary neoplastic syndrome; Tumor predisposition. Identifiers: Orphanet 140162, MedGen C0027672, MeSH D009386, MONDO:0015356.
Familial cancer of breast. Also called: BREAST CANCER, FAMILIAL; hereditary breast carcinoma; Hereditary breast cancer. Identifiers: Orphanet 227535, MedGen C0346153, MONDO:0016419, OMIM 114480. Disease mechanism: loss of function.

Submissions (4):

Ambry Genetics
Classification: Pathogenic for Hereditary cancer-predisposing syndrome. Last evaluated: 2024-07-05. Review status: criteria provided, single submitter. Criteria: Ambry Variant Classification Scheme 2023. Collection method: clinical testing. Allele origin: germline.
Comment: The p.Q179* variant (also known as c.535C>T), located in coding exon 4 of the PALB2 gene, results from a C to T substitution at nucleotide position 535. This changes the amino acid from a glutamine to a stop codon within coding exon 4. This variant was reported in an individual diagnosed with breast cancer (Tedaldi G et al. Oncotarget, 2017 Jul;8:47064-47075). This alteration was detected in 1/16501 Chinese breast cancer patients and 0/5890 female controls (Zhou J et al. Cancer, 2020 Jul;126:3202-3208). This variant is considered to be rare based on population cohorts in the Genome Aggregation Database (gnomAD). This alteration is expected to result in loss of function by premature protein truncation or nonsense-mediated mRNA decay. As such, this alteration is interpreted as a disease-causing mutation.

Labcorp Genetics (formerly Invitae), Labcorp
Classification: Pathogenic for Familial cancer of breast. Last evaluated: 2024-02-15. Review status: criteria provided, single submitter. Criteria: Invitae Variant Classification Sherloc (09022015). Collection method: clinical testing. Allele origin: germline.
Comment: This sequence change creates a premature translational stop signal (p.Gln179*) in the PALB2 gene. It is expected to result in an absent or disrupted protein product. Loss-of-function variants in PALB2 are known to be pathogenic (PMID: 17200668, 17200671, 17200672, 24136930, 25099575). This variant is not present in population databases (gnomAD no frequency). This premature translational stop signal has been observed in individual(s) with breast cancer (PMID: 28423363). ClinVar contains an entry for this variant (Variation ID: 1459981). For these reasons, this variant has been classified as Pathogenic.

Baylor Genetics
Classification: Pathogenic for Familial cancer of breast. Last evaluated: 2023-02-28. Review status: criteria provided, single submitter. Criteria: ACMG Guidelines, 2015. Collection method: clinical testing. Allele origin: unknown.

Myriad Genetics, Inc.
Classification: Pathogenic for Familial cancer of breast. Last evaluated: 2023-02-08. Review status: criteria provided, single submitter. Criteria: Myriad Autosomal Dominant, Autosomal Recessive and X-Linked Classification Criteria (2023). Collection method: clinical testing. Allele origin: unknown.
Comment: This variant is considered pathogenic. This variant creates a termination codon and is predicted to result in premature protein truncation.

Literature cited by the submitters: PubMed 28423363 (cited by Ambry Genetics and Labcorp Genetics (formerly Invitae), Labcorp); PubMed 32339256 (cited by Ambry Genetics); PubMed 17200668 (cited by Labcorp Genetics (formerly Invitae), Labcorp); PubMed 17200671 (cited by Labcorp Genetics (formerly Invitae), Labcorp); PubMed 17200672 (cited by Labcorp Genetics (formerly Invitae), Labcorp); PubMed 24136930 (cited by Labcorp Genetics (formerly Invitae), Labcorp); PubMed 25099575 (cited by Labcorp Genetics (formerly Invitae), Labcorp).

NM_024675.4(PALB2):c.535C>T (p.Gln179Ter)

Gene: PALB2 (partner and localizer of BRCA2; minus strand). Cytogenetic location: 16p12.2.
Variant type: single nucleotide variant.
Coding change: c.535C>T on transcript NM_024675.4 (MANE Select); coding-DNA position 535, C replaced by T.
Protein change: p.Gln179Ter; replaces glutamine 179 with a stop codon.
Molecular consequence: nonsense.
Genome position (GRCh38, 1-based): chr16:23,636,011, G>A on the plus strand (C>T on the coding strand, the complement: PALB2 is on the minus strand). VCF-style: chr16-23636011-G-A. GRCh37 (hg19) VCF-style: chr16-23647332-G-A.
Other names: c.535C>T (NM_024675.3); short protein forms Q179*.
Identifiers: ClinVar variation 1459981 (VCV001459981.11), dbSNP rs730881903, ClinGen allele CA395136927.